The following is an entry in ClinVar:

NC_000016.9:g.(?_23632673)_(23634461_?)dup

Gene: PALB2 (partner and localizer of BRCA2; minus strand). Cytogenetic location: 16p12.2.
Variant type: Duplication.
Identifiers: ClinVar variation 2426864 (VCV002426864.4).

ClinVar aggregate classification (germline): Uncertain significance (1 of 4 stars; one submission).

Conditions:
Familial cancer of breast. Also called: Hereditary breast cancer; BREAST CANCER, FAMILIAL; hereditary breast carcinoma. Identifiers: Orphanet 227535, MedGen C0346153, MONDO:0016419, OMIM 114480. Disease mechanism: loss of function.

Submission:

Labcorp Genetics (formerly Invitae), Labcorp
Classification: Uncertain significance for Familial cancer of breast. Last evaluated: 2022-10-01. Review status: criteria provided, single submitter. Criteria: Invitae Variant Classification Sherloc (09022015). Collection method: clinical testing. Allele origin: germline.
Comment: In summary, the available evidence is currently insufficient to determine the role of this variant in disease. Therefore, it has been classified as a Variant of Uncertain Significance. Experimental studies and prediction algorithms are not available or were not evaluated, and the functional significance of this variant is currently unknown. This variant has not been reported in the literature in individuals affected with PALB2-related conditions. This variant results in a copy number gain of the genomic region encompassing exon(s) 9-10 of the PALB2 gene. While the exact position of this variant cannot be determined from the data, sub-genic copy number gains are generally in tandem (PMID: 25640679). This variant is predicted to be in-frame, and likely preserves the integrity of the reading frame.

Literature cited by the submitters: PubMed 25640679.